The following is an entry in ClinVar:

ClinVar aggregate classification (germline): Uncertain significance. Review status: criteria provided, multiple submitters, no conflicts (2 of 4 stars). 5 submissions from 5 submitters: Uncertain significance (5). Last evaluated 2025-10-02.

Conditions:
Inborn genetic diseases. Identifiers: MedGen C0950123, MeSH D030342.
Autosomal dominant nonsyndromic hearing loss 4A. Also called: Deafness, autosomal dominant 4A. Identifiers: Orphanet 90635, MedGen C1833503, MONDO:0010915, OMIM 600652.

Allele frequency attached by ClinVar (database versions not stated): gnomAD exomes 0.00005 and 0.00030; ESP Exome Variant Server 0.00008; gnomAD 0.00008 and 0.00009; ExAC 0.00010; TOPMed 0.00011.
gnomAD v4.1: 418 of 1,551,556 alleles (0.027%); highest among the groups gnomAD compares: Non-Finnish European, 0.036%; 1 homozygote.

Submissions (5):

Ambry Genetics
Classification: Uncertain significance for Inborn genetic diseases. Last evaluated: 2025-10-02. Review status: criteria provided, single submitter. Criteria: Ambry Variant Classification Scheme 2023. Collection method: clinical testing. Allele origin: germline.

Labcorp Genetics (formerly Invitae), Labcorp
Classification: Uncertain significance. Last evaluated: 2025-02-10. Review status: criteria provided, single submitter. Criteria: Invitae Variant Classification Sherloc (09022015). Collection method: clinical testing. Allele origin: germline.
Comment: This sequence change replaces threonine, which is neutral and polar, with serine, which is neutral and polar, at codon 1345 of the MYH14 protein (p.Thr1345Ser). This variant is present in population databases (rs377462520, gnomAD 0.01%). This variant has not been reported in the literature in individuals affected with MYH14-related conditions. ClinVar contains an entry for this variant (Variation ID: 811667). Invitae Evidence Modeling of protein sequence and biophysical properties (such as structural, functional, and spatial information, amino acid conservation, physicochemical variation, residue mobility, and thermodynamic stability) indicates that this missense variant is not expected to disrupt MYH14 protein function with a negative predictive value of 80%. In summary, the available evidence is currently insufficient to determine the role of this variant in disease. Therefore, it has been classified as a Variant of Uncertain Significance.

GeneDx
Classification: Uncertain significance. Last evaluated: 2024-12-26. Review status: criteria provided, single submitter. Criteria: GeneDx Variant Classification Process June 2021. Collection method: clinical testing. Allele origin: germline. Affected: yes.
Comment: In silico analysis supports that this missense variant has a deleterious effect on protein structure/function; Has not been previously published as pathogenic or benign to our knowledge

ARUP Laboratories, Molecular Genetics and Genomics, ARUP Laboratories
Classification: Uncertain significance. Last evaluated: 2018-12-27. Review status: criteria provided, single submitter. Criteria: ARUP Molecular Germline Variant Investigation Process. Collection method: clinical testing. Allele origin: germline.
Comment: The MYH14 c.4033A>T; p.Thr1345Ser variant (rs377462520), to our knowledge, is not reported in the medical literature or gene specific databases. This variant is found in the non-Finnish European population with an overall allele frequency of 0.01% (9/76200 alleles) in the Genome Aggregation Database. The threonine at codon 1345 is moderately conserved, but it occurs as a serine in dogs, and computational analyses (SIFT, PolyPhen-2) predict that this variant is tolerated. However, due to limited information, the clinical significance of the p.Thr1345Ser variant is uncertain at this time.

Illumina Laboratory Services, Illumina
Classification: Uncertain significance for Autosomal dominant nonsyndromic hearing loss 4A. Last evaluated: 2018-01-13. Review status: criteria provided, single submitter. Criteria: ICSL Variant Classification Criteria 13 December 2019. Collection method: clinical testing. Allele origin: germline.

NM_001145809.2(MYH14):c.4156A>T (p.Thr1386Ser)

Gene: MYH14 (myosin heavy chain 14; plus strand). Cytogenetic location: 19q13.33.
Variant type: single nucleotide variant.
Coding change: c.4156A>T on transcript NM_001145809.2 (MANE Select); coding-DNA position 4156, A replaced by T.
Protein change: p.Thr1386Ser; replaces threonine 1386 with serine.
Molecular consequence: missense variant.
Genome position (GRCh38, 1-based): chr19:50,280,249, A>T. VCF-style: chr19-50280249-A-T. GRCh37 (hg19) VCF-style: chr19-50783506-A-T.
Other names: c.4057A>T, p.Thr1353Ser (NM_001077186.2); c.4033A>T, p.Thr1345Ser (NM_024729.4); short protein forms T1345S, T1353S, T1386S.
Identifiers: ClinVar variation 811667 (VCV000811667.17), dbSNP rs377462520, ClinGen allele CA9593456.